The following is an entry in ClinVar:

NM_004863.4(SPTLC2):c.823G>A (p.Ala275Thr)

Gene: SPTLC2 (serine palmitoyltransferase long chain base subunit 2; minus strand). Cytogenetic location: 14q24.3.
Variant type: single nucleotide variant.
Coding change: c.823G>A on transcript NM_004863.4 (MANE Select); coding-DNA position 823, G replaced by A.
Protein change: p.Ala275Thr; replaces alanine 275 with threonine.
Molecular consequence: missense variant.
Genome position (GRCh38, 1-based): chr14:77,562,423, C>T on the plus strand (G>A on the coding strand, the complement: SPTLC2 is on the minus strand). VCF-style: chr14-77562423-C-T. GRCh37 (hg19) VCF-style: chr14-78028766-C-T.
Other names: short protein forms A275T.
Identifiers: ClinVar variation 2733639 (VCV002733639.3), dbSNP rs1369605012, ClinGen allele CA390710611.
Genomic context (GRCh38, chr14:77,562,423, plus strand): 5'-CAAGGCCAGCAGTGAATTCTTCAGCAAACTCACTGTTGTGTTTGAAGATTCTAATGGTTG[C>T]TCCTGACAGTCTGGCTCCCAGAACCAGTGATGCATGATTCAGTTCATCACTCAGAATCAG-3'
Protein context (NP_004854.1, residues 265-285): SLVLGARLSG[Ala275Thr]TIRIFKHNNM

ClinVar aggregate classification (germline): Uncertain significance (1 of 4 stars; one submission).

Conditions:
Neuropathy, hereditary sensory and autonomic, type 1C. Also called: HSAN IC; HSN IC. Identifiers: Orphanet 36386, MedGen C3150896, MONDO:0013337, OMIM 613640.

Allele frequency attached by ClinVar (database versions not stated): TOPMed below 0.00001.

Submission:

Labcorp Genetics (formerly Invitae), Labcorp
Classification: Uncertain significance for Neuropathy, hereditary sensory and autonomic, type 1C. Last evaluated: 2024-10-18. Review status: criteria provided, single submitter. Criteria: Invitae Variant Classification Sherloc (09022015). Collection method: clinical testing. Allele origin: germline.
Comment: This sequence change replaces alanine, which is neutral and non-polar, with threonine, which is neutral and polar, at codon 275 of the SPTLC2 protein (p.Ala275Thr). This variant is not present in population databases (gnomAD no frequency). This variant has not been reported in the literature in individuals affected with SPTLC2-related conditions. Invitae Evidence Modeling of protein sequence and biophysical properties (such as structural, functional, and spatial information, amino acid conservation, physicochemical variation, residue mobility, and thermodynamic stability) has been performed for this missense variant. However, the output from this modeling did not meet the statistical confidence thresholds required to predict the impact of this variant on SPTLC2 protein function. In summary, the available evidence is currently insufficient to determine the role of this variant in disease. Therefore, it has been classified as a Variant of Uncertain Significance.